The following is an entry in ClinVar:

ClinVar aggregate classification (germline): Uncertain significance. Review status: criteria provided, multiple submitters, no conflicts (2 of 4 stars). 2 submissions from 2 submitters: Uncertain significance (2). Last evaluated 2023-08-16.

Conditions:
Hereditary cancer-predisposing syndrome. Also called: Tumor predisposition; Hereditary Cancer Syndrome; Hereditary neoplastic syndrome; Neoplastic Syndromes, Hereditary. Identifiers: Orphanet 140162, MedGen C0027672, MeSH D009386, MONDO:0015356.
Rhabdoid tumor predisposition syndrome 2 (RTPS2). Identifiers: Orphanet 231108, Orphanet 69077, MedGen C2750074, MONDO:0013224, OMIM 613325.

gnomAD v4.1: 2 of 1,600,894 alleles (0.00012%); highest among the groups gnomAD compares: South Asian, 0.0023%; no homozygotes.

Submissions (2):

Ambry Genetics
Classification: Uncertain significance for Hereditary cancer-predisposing syndrome. Last evaluated: 2023-08-16. Review status: criteria provided, single submitter. Criteria: Ambry Variant Classification Scheme 2023. Collection method: clinical testing. Allele origin: germline.
Comment: The p.G1407R variant (also known as c.4219G>A), located in coding exon 29 of the SMARCA4 gene, results from a G to A substitution at nucleotide position 4219. The glycine at codon 1407 is replaced by arginine, an amino acid with dissimilar properties. This amino acid position is highly conserved in available vertebrate species. In addition, this alteration is predicted to be tolerated by in silico analysis. Missense and in-frame variants in SMARCA4 are known to cause neurodevelopmental disorders; however, such associations with rhabdoid tumor predisposition syndrome including small cell carcinoma of the ovary-hypercalcemic type (SCCOHT) are exceedingly rare (Kosho T et al. Am J Med Genet C Semin Med Genet. 2014 Sep;166C(3):262-75; Jelinic P et al. Nat Genet. 2014 May;46(5):424-6). Based on the supporting evidence, the association of this alteration with Coffin-Siris syndrome is unknown; however, the association of this alteration with rhabdoid tumor predisposition syndrome is unlikely.

Labcorp Genetics (formerly Invitae), Labcorp
Classification: Uncertain significance for Rhabdoid tumor predisposition syndrome 2. Last evaluated: 2023-01-30. Review status: criteria provided, single submitter. Criteria: Invitae Variant Classification Sherloc (09022015). Collection method: clinical testing. Allele origin: germline.
Comment: In summary, the available evidence is currently insufficient to determine the role of this variant in disease. Therefore, it has been classified as a Variant of Uncertain Significance. Algorithms developed to predict the effect of sequence changes on RNA splicing suggest that this variant may disrupt the consensus splice site. Algorithms developed to predict the effect of missense changes on protein structure and function are either unavailable or do not agree on the potential impact of this missense change (SIFT: "Tolerated"; PolyPhen-2: "Possibly Damaging"; Align-GVGD: "Class C0"). This variant has not been reported in the literature in individuals affected with SMARCA4-related conditions. The frequency data for this variant in the population databases is considered unreliable, as metrics indicate poor data quality at this position in the gnomAD database. This sequence change replaces glycine, which is neutral and non-polar, with arginine, which is basic and polar, at codon 1407 of the SMARCA4 protein (p.Gly1407Arg).

NM_001387283.1(SMARCA4):c.4219G>A (p.Gly1407Arg)

Gene: SMARCA4 (SWI/SNF related BAF chromatin remodeling complex subunit ATPase 4; plus strand). Cytogenetic location: 19p13.2.
Variant type: single nucleotide variant.
Coding change: c.4219G>A on transcript NM_001387283.1 (MANE Plus Clinical); coding-DNA position 4219, G replaced by A.
Protein change: p.Gly1407Arg; replaces glycine 1407 with arginine.
Molecular consequence: missense variant. On other transcripts: intron variant (7).
Genome position (GRCh38, 1-based): chr19:11,039,506, G>A. VCF-style: chr19-11039506-G-A. GRCh37 (hg19) VCF-style: chr19-11150182-G-A.
Other names: c.4219G>A, p.Gly1407Arg (NM_001128849.3); c.4120G>A, p.Gly1374Arg (NM_001411150.1); c.4171-1801G>A (NM_001128844.3, NM_003072.5); c.4072-1801G>A (NM_001128847.4, NM_001374457.1, NM_001128848.2); c.4072-1792G>A (NM_001128845.2, NM_001128846.2); c.4219G>A (NM_001128849.1); short protein forms G1374R, G1407R.
Identifiers: ClinVar variation 2089740 (VCV002089740.6), dbSNP rs751103947, ClinGen allele CA404071501.
Genomic context (GRCh38, chr19:11,039,506, plus strand): 5'-ATTTTGTTGTAGAAAATTACAGGAAAAGATATCCATGACACAGCCAGCAGTGTGGCACGT[G>A]GGCTACAATTCCAGCGTGGCCTTCAGTTCTGCACACGTGCGTCAAAGGTGGGGAGAGTTC-3'
Protein context (NP_001374212.1, residues 1397-1417): IHDTASSVAR[Gly1407Arg]LQFQRGLQFC